The following is an entry in ClinVar:

ClinVar aggregate classification (germline): Uncertain significance (1 of 4 stars; one submission).

Conditions:
Severe combined immunodeficiency due to DNA-PKcs deficiency. Also called: Immunodeficiency 26 with or without neurologic abnormalities; IMMUNODEFICIENCY 26 WITH NEUROLOGIC ABNORMALITIES. Identifiers: Orphanet 317425, MedGen C4014833, MONDO:0014423, OMIM 615966.

Submission:

Labcorp Genetics (formerly Invitae), Labcorp
Classification: Uncertain significance for Severe combined immunodeficiency due to DNA-PKcs deficiency. Last evaluated: 2021-04-08. Review status: criteria provided, single submitter. Criteria: Invitae Variant Classification Sherloc (09022015). Collection method: clinical testing. Allele origin: germline.
Comment: This variant is not present in population databases (ExAC no frequency). In summary, the available evidence is currently insufficient to determine the role of this variant in disease. Therefore, it has been classified as a Variant of Uncertain Significance. Experimental studies and prediction algorithms are not available or were not evaluated, and the functional significance of this variant is currently unknown. This variant has not been reported in the literature in individuals with PRKDC-related conditions. This sequence change replaces aspartic acid with glutamic acid at codon 444 of the PRKDC protein (p.Asp444Glu). The aspartic acid residue is moderately conserved and there is a small physicochemical difference between aspartic acid and glutamic acid.

NM_006904.7(PRKDC):c.1332C>A (p.Asp444Glu)

Gene: PRKDC (protein kinase, DNA-activated, catalytic subunit; minus strand). Cytogenetic location: 8q11.21.
Variant type: single nucleotide variant.
Coding change: c.1332C>A on transcript NM_006904.7 (MANE Select); coding-DNA position 1332, C replaced by A.
Protein change: p.Asp444Glu; replaces aspartic acid 444 with glutamic acid.
Molecular consequence: missense variant.
Genome position (GRCh38, 1-based): chr8:47,935,847, G>T on the plus strand (C>A on the coding strand, the complement: PRKDC is on the minus strand). VCF-style: chr8-47935847-G-T. GRCh37 (hg19) VCF-style: chr8-48848407-G-T.
Other names: c.1332C>A, p.Asp444Glu (NM_001081640.2); c.1332C>A (NM_006904.6); short protein forms D444E.
Identifiers: ClinVar variation 1466838 (VCV001466838.7), dbSNP rs1277369459, ClinGen allele CA371165905.